The following is an entry in ClinVar:

ClinVar aggregate classification (germline): Pathogenic. Review status: criteria provided, multiple submitters, no conflicts (2 of 4 stars). 2 submissions from 2 submitters: Pathogenic (2). Last evaluated 2026-09-08.

Conditions:
Fabry disease. Also called: ALPHA-GALACTOSIDASE A DEFICIENCY; ANDERSON-FABRY DISEASE; CERAMIDE TRIHEXOSIDASE DEFICIENCY; GLA DEFICIENCY; HEREDITARY DYSTOPIC LIPIDOSIS; Angiokeratoma corporis diffusum. Identifiers: Orphanet 324, MedGen C0002986, MONDO:0010526, OMIM 301500, HP:0001071. Disease mechanism: Fabry disease is due to inactivating mutations in the X-linked GLA gene resulting in deficiency of the enzyme Alpha Galactosidase-A., loss of function.

Submissions (2):

Genomenon, Inc
Classification: Pathogenic for Fabry disease. Last evaluated: 2026-09-08. Review status: criteria provided, single submitter. Criteria: Genomenon Sequence Variant Interpretation Standards - Updated. Collection method: curation. Allele origin: germline. Affected: yes.
Comment: GLA p.Trp209Ter (c.627G>A) is a nonsense variant that introduces a premature stop codon at amino acid position 209 and is predicted to result in a truncated or absent protein product. This variant has been observed in at least one proband with clinical features consistent with Fabry disease (PMID:20576773;23702393;20691627;29853467;14505049;30988410). The variant was found to segregate with disease in at least one affected family (PMID:14505049). Functional or patient cell studies have been reported (PMID:31613176). It is absent or not present at a significant frequency in gnomAD. In conclusion, we classify GLA p.Trp209Ter (c.627G>A) as a pathogenic variant.

Labcorp Genetics (formerly Invitae), Labcorp
Classification: Pathogenic for Fabry disease. Last evaluated: 2026-01-19. Review status: criteria provided, single submitter. Criteria: Invitae Variant Classification Sherloc (09022015). Collection method: clinical testing. Allele origin: germline.
Comment: This sequence change creates a premature translational stop signal (p.Trp209*) in the GLA gene. It is expected to result in an absent or disrupted protein product. Loss-of-function variants in GLA are known to be pathogenic (PMID: 10666480, 12175777). This variant is not present in population databases (gnomAD no frequency). This premature translational stop signal has been observed in individual(s) with Fabry disease (PMID: 30988410). ClinVar contains an entry for this variant (Variation ID: 4087170). For these reasons, this variant has been classified as Pathogenic.

Literature cited by the submitters: PubMed 20576773 (cited by Genomenon, Inc); PubMed 23702393 (cited by Genomenon, Inc); PubMed 20691627 (cited by Genomenon, Inc); PubMed 29853467 (cited by Genomenon, Inc); PubMed 14505049 (cited by Genomenon, Inc); PubMed 30988410 (cited by Genomenon, Inc and Labcorp Genetics (formerly Invitae), Labcorp); PubMed 31613176 (cited by Genomenon, Inc); PubMed 10666480 (cited by Labcorp Genetics (formerly Invitae), Labcorp); PubMed 12175777 (cited by Labcorp Genetics (formerly Invitae), Labcorp).

NM_000169.3(GLA):c.627G>A (p.Trp209Ter)

Genes: RPL36A-HNRNPH2 (RPL36A-HNRNPH2 readthrough; plus strand), GLA (galactosidase alpha; minus strand). Cytogenetic location: Xq22.1.
Variant type: single nucleotide variant.
Coding change: c.627G>A on transcript NM_000169.3 (MANE Select); coding-DNA position 627, G replaced by A.
Protein change: p.Trp209Ter; replaces tryptophan 209 with a stop codon.
Molecular consequence: nonsense. On other transcripts: non-coding transcript variant (2), intron variant (2).
Genome position (GRCh38, 1-based): chrX:101,400,678, C>T on the plus strand (G>A on the coding strand, the complement: GLA is on the minus strand). VCF-style: chrX-101400678-C-T. GRCh37 (hg19) VCF-style: chrX-100655666-C-T.
Other names: c.750G>A, p.Trp250Ter (NM_001406747.1); c.627G>A, p.Trp209Ter (NM_001406748.1); c.300+5221C>T (NM_001199973.2); c.177+8856C>T (NM_001199974.2); short protein forms W209*, W250*.
Identifiers: ClinVar variation 4087170 (VCV004087170.3), dbSNP rs869312350.
Genomic context (GRCh38, chrX:101,400,678, plus strand): 5'-TTCTATCTATCAGTACAGTTCTATTGGATTCTGGGCTCACTATCTCACCTTTTGAAAGGG[C>T]CACATATAAAGAGGCCACTCACAGGAGTACACAATGCTTCTGCCAGTCCTATTCAGGGCC-3'